The following is an entry in ClinVar:

ClinVar aggregate classification (germline): Uncertain significance (1 of 4 stars; one submission).

Conditions:
Hereditary breast ovarian cancer syndrome. Also called: Hereditary breast and ovarian cancer; Breast and ovarian cancer; BRCA1- and BRCA2-Associated Hereditary Breast and Ovarian Cancer; Hereditary breast and ovarian cancer syndrome (HBOC); Hereditary breast and ovarian cancer syndrome; Hereditary breast and/or ovarian cancer syndrome. Identifiers: Orphanet 145, MedGen C0677776, MeSH D061325, MONDO:0003582. Disease mechanism: loss of function.

gnomAD v4.1: 1 of 1,613,818 alleles (0.000062%); highest among the groups gnomAD compares: Non-Finnish European, 0.000085%; no homozygotes.

Submission:

Labcorp Genetics (formerly Invitae), Labcorp
Classification: Uncertain significance for Hereditary breast ovarian cancer syndrome. Last evaluated: 2025-08-18. Review status: criteria provided, single submitter. Criteria: Invitae Variant Classification Sherloc (09022015). Collection method: clinical testing. Allele origin: germline.
Comment: This sequence change replaces leucine, which is neutral and non-polar, with valine, which is neutral and non-polar, at codon 2929 of the BRCA2 protein (p.Leu2929Val). This variant is not present in population databases (gnomAD no frequency). This variant has not been reported in the literature in individuals affected with BRCA2-related conditions. ClinVar contains an entry for this variant (Variation ID: 2894458). Invitae Evidence Modeling of protein sequence and biophysical properties (such as structural, functional, and spatial information, amino acid conservation, physicochemical variation, residue mobility, and thermodynamic stability) indicates that this missense variant is not expected to disrupt BRCA2 protein function with a negative predictive value of 95%. In summary, the available evidence is currently insufficient to determine the role of this variant in disease. Therefore, it has been classified as a Variant of Uncertain Significance.

NM_000059.4(BRCA2):c.8785T>G (p.Leu2929Val)

Gene: BRCA2 (BRCA2 DNA repair associated; plus strand). Cytogenetic location: 13q13.1.
Variant type: single nucleotide variant.
Coding change: c.8785T>G on transcript NM_000059.4 (MANE Select); coding-DNA position 8785, T replaced by G.
Protein change: p.Leu2929Val; replaces leucine 2929 with valine.
Molecular consequence: missense variant. On other transcripts: non-coding transcript variant (1).
Genome position (GRCh38, 1-based): chr13:32,379,347, T>G. VCF-style: chr13-32379347-T-G. GRCh37 (hg19) VCF-style: chr13-32953484-T-G.
Other names: c.8689T>G, p.Leu2897Val (NM_001406719.1); c.8785T>G, p.Leu2929Val (NM_001406720.1); c.3853T>G, p.Leu1285Val (NM_001406721.1); c.2368T>G, p.Leu790Val (NM_001406722.1); short protein forms L1285V, L790V, L2929V, L2897V.
Identifiers: ClinVar variation 2894458 (VCV002894458.3), dbSNP rs2137619195, ClinGen allele CA387755874.